The following is an entry in ClinVar:

ClinVar aggregate classification (germline): Uncertain significance. Review status: criteria provided, multiple submitters, no conflicts (2 of 4 stars). 2 submissions from 2 submitters: Uncertain significance (2). Last evaluated 2025-06-19.

Conditions:
Inborn genetic diseases. Identifiers: MedGen C0950123, MeSH D030342.

Allele frequency attached by ClinVar (database versions not stated): gnomAD exomes 0.00008 and 0.00020; ExAC 0.00009; 1000 Genomes Project 30x 0.00016; TOPMed 0.00018; gnomAD 0.00019; 1000 Genomes Project 0.00020; ESP Exome Variant Server 0.00031.
gnomAD v4.1: 315 of 1,614,130 alleles (0.02%); highest among the groups gnomAD compares: African/African-American, 0.045%; no homozygotes.

Submissions (2):

Ambry Genetics
Classification: Uncertain significance for Inborn genetic diseases. Last evaluated: 2025-06-19. Review status: criteria provided, single submitter. Criteria: Ambry Variant Classification Scheme 2023. Collection method: clinical testing. Allele origin: germline.

Labcorp Genetics (formerly Invitae), Labcorp
Classification: Uncertain significance. Last evaluated: 2022-08-09. Review status: criteria provided, single submitter. Criteria: Invitae Variant Classification Sherloc (09022015). Collection method: clinical testing. Allele origin: germline.
Comment: This sequence change replaces asparagine, which is neutral and polar, with serine, which is neutral and polar, at codon 566 of the EXTL3 protein (p.Asn566Ser). This variant is present in population databases (rs141817681, gnomAD 0.04%). This variant has not been reported in the literature in individuals affected with EXTL3-related conditions. ClinVar contains an entry for this variant (Variation ID: 1371473). Algorithms developed to predict the effect of missense changes on protein structure and function (SIFT, PolyPhen-2, Align-GVGD) all suggest that this variant is likely to be tolerated. In summary, the available evidence is currently insufficient to determine the role of this variant in disease. Therefore, it has been classified as a Variant of Uncertain Significance.

NM_001440.4(EXTL3):c.1697A>G (p.Asn566Ser)

Gene: EXTL3 (exostosin like glycosyltransferase 3; plus strand). Cytogenetic location: 8p21.1.
Variant type: single nucleotide variant.
Coding change: c.1697A>G on transcript NM_001440.4 (MANE Select); coding-DNA position 1697, A replaced by G.
Protein change: p.Asn566Ser; replaces asparagine 566 with serine.
Molecular consequence: missense variant.
Genome position (GRCh38, 1-based): chr8:28,717,756, A>G. VCF-style: chr8-28717756-A-G. GRCh37 (hg19) VCF-style: chr8-28575273-A-G.
Other names: c.1697A>G (NM_001440.2); short protein forms N566S.
Identifiers: ClinVar variation 1371473 (VCV001371473.4), dbSNP rs141817681, ClinGen allele CA4696271.